The following is an entry in ClinVar:

ClinVar aggregate classification (germline): Likely benign. Review status: criteria provided, multiple submitters, no conflicts (2 of 4 stars). 3 submissions from 3 submitters: Likely benign (3). Last evaluated 2025-09-21.

Conditions:
Hajdu-Cheney syndrome (HJCYS). Also called: ACROOSTEOLYSIS WITH OSTEOPOROSIS AND CHANGES IN SKULL AND MANDIBLE; SERPENTINE FIBULA-POLYCYSTIC KIDNEY SYNDROME; Acroosteolysis dominant type. Identifiers: Orphanet 955, MedGen C0917715, MONDO:0007057, OMIM 102500.
NOTCH2-related disorder. Also called: NOTCH2-related condition.

gnomAD v4.1: 1 of 1,614,204 alleles (0.000062%); no homozygotes.

Submissions (3):

Labcorp Genetics (formerly Invitae), Labcorp
Classification: Likely benign for Hajdu-Cheney syndrome. Last evaluated: 2025-09-21. Review status: criteria provided, single submitter. Criteria: Invitae Variant Classification Sherloc (09022015). Collection method: clinical testing. Allele origin: germline.

PreventionGenetics, part of Exact Sciences
Classification: Likely benign for NOTCH2-related condition. Last evaluated: 2024-12-04. Review status: criteria provided, single submitter. Criteria: ACMG Guidelines, 2015. Collection method: clinical testing. Allele origin: germline.
Comment: This variant is classified as likely benign based on ACMG/AMP sequence variant interpretation guidelines (Richards et al. 2015 PMID: 25741868, with internal and published modifications).

Blueprint Genetics
Classification: Likely benign. Last evaluated: 2024-05-22. Review status: criteria provided, single submitter. Criteria: ACMG Guidelines, 2015. Collection method: clinical testing. Allele origin: germline.

NM_024408.4(NOTCH2):c.4434C>T (p.Asn1478=)

Gene: NOTCH2 (notch receptor 2; minus strand). Cytogenetic location: 1p12.
Variant type: single nucleotide variant.
Coding change: c.4434C>T on transcript NM_024408.4 (MANE Select); coding-DNA position 4434, C replaced by T.
Protein change: p.Asn1478=; no amino-acid change (asparagine 1478 retained).
Molecular consequence: synonymous variant.
Genome position (GRCh38, 1-based): chr1:119,925,382, G>A on the plus strand (C>T on the coding strand, the complement: NOTCH2 is on the minus strand). VCF-style: chr1-119925382-G-A. GRCh37 (hg19) VCF-style: chr1-120468005-G-A.
Other names: c.4434C>T (NM_024408.3).
Identifiers: ClinVar variation 4752826 (VCV004752826.3).